The following is an entry in ClinVar:

NM_000286.3(PEX12):c.353T>C (p.Met118Thr)

Gene: PEX12 (peroxisomal biogenesis factor 12; minus strand). Cytogenetic location: 17q12.
Variant type: single nucleotide variant.
Coding change: c.353T>C on transcript NM_000286.3 (MANE Select); coding-DNA position 353, T replaced by C.
Protein change: p.Met118Thr; replaces methionine 118 with threonine.
Molecular consequence: missense variant.
Genome position (GRCh38, 1-based): chr17:35,577,365, A>G on the plus strand (T>C on the coding strand, the complement: PEX12 is on the minus strand). VCF-style: chr17-35577365-A-G. GRCh37 (hg19) VCF-style: chr17-33904384-A-G.
Other names: short protein forms M118T.
Identifiers: ClinVar variation 322653 (VCV000322653.8), dbSNP rs879075660, ClinGen allele CA10649923.

ClinVar aggregate classification (germline): Uncertain significance. Review status: criteria provided, multiple submitters, no conflicts (2 of 4 stars). 3 submissions from 3 submitters: Uncertain significance (2). 1 of the submissions does not count toward it. Last evaluated 2021-09-21.

Conditions:
Peroxisome biogenesis disorder 3A (Zellweger). Also called: Peroxisome biogenesis disorder 3A; PEROXISOMAL BIOGENESIS DISORDER 3A (ZELLWEGER). Identifiers: Orphanet 912, MedGen C3553929, MONDO:0013927, OMIM 614859.
Peroxisome biogenesis disorder type 3B. Identifiers: Orphanet 44, Orphanet 772, MedGen C3550693, MONDO:0009959, OMIM 266510.

Allele frequency attached by ClinVar (database versions not stated): gnomAD 0.00001; gnomAD exomes 0.00001; TOPMed 0.00001.

Submissions (3):

Labcorp Genetics (formerly Invitae), Labcorp
Classification: Uncertain significance for Peroxisome biogenesis disorder 3A (Zellweger). Last evaluated: 2021-09-21. Review status: criteria provided, single submitter. Criteria: Invitae Variant Classification Sherloc (09022015). Collection method: clinical testing. Allele origin: germline.
Comment: This sequence change replaces methionine with threonine at codon 118 of the PEX12 protein (p.Met118Thr). The methionine residue is weakly conserved and there is a moderate physicochemical difference between methionine and threonine. This variant is not present in population databases (ExAC no frequency). This variant has not been reported in the literature in individuals affected with PEX12-related conditions. ClinVar contains an entry for this variant (Variation ID: 322653). Algorithms developed to predict the effect of missense changes on protein structure and function (SIFT, PolyPhen-2, Align-GVGD) all suggest that this variant is likely to be tolerated. In summary, the available evidence is currently insufficient to determine the role of this variant in disease. Therefore, it has been classified as a Variant of Uncertain Significance.

Illumina Laboratory Services, Illumina
Classification: Uncertain significance for Peroxisome biogenesis disorder 3A (Zellweger). Last evaluated: 2018-01-13. Review status: criteria provided, single submitter. Criteria: ICSL Variant Classification Criteria 13 December 2019. Collection method: clinical testing. Allele origin: germline.

Counsyl
Classification: Uncertain significance for Peroxisome biogenesis disorder type 3B; Peroxisome biogenesis disorder 3A (Zellweger). Last evaluated: 2018-01-17. Review status: no assertion criteria provided. Collection method: clinical testing. Allele origin: unknown. Not counted in ClinVar's aggregate classification.